The following is an entry in ClinVar:

NM_000088.4(COL1A1):c.731G>T (p.Arg244Leu)

Genes: COL1A1 (collagen type I alpha 1 chain; minus strand), LOC126862586 (CDK7 strongly-dependent group 2 enhancer GRCh37_chr17:48273702-48274901; plus strand). Cytogenetic location: 17q21.33.
Variant type: single nucleotide variant.
Coding change: c.731G>T on transcript NM_000088.4 (MANE Select); coding-DNA position 731, G replaced by T.
Protein change: p.Arg244Leu; replaces arginine 244 with leucine.
Molecular consequence: missense variant.
Genome position (GRCh38, 1-based): chr17:50,197,199, C>A on the plus strand (G>T on the coding strand, the complement: COL1A1 is on the minus strand). VCF-style: chr17-50197199-C-A. GRCh37 (hg19) VCF-style: chr17-48274560-C-A.
Other names: short protein forms R244L.
Identifiers: ClinVar variation 3268602 (VCV003268602.1).

ClinVar aggregate classification (germline): Uncertain significance (1 of 4 stars; one submission).

Conditions:
Cardiovascular phenotype. Identifiers: MedGen CN230736.

Submission:

Ambry Genetics
Classification: Uncertain significance for Cardiovascular phenotype. Last evaluated: 2024-06-14. Review status: criteria provided, single submitter. Criteria: Ambry Variant Classification Scheme 2023. Collection method: clinical testing. Allele origin: germline.
Comment: The p.R244L variant (also known as c.731G>T), located in coding exon 10 of the COL1A1 gene, results from a G to T substitution at nucleotide position 731. The arginine at codon 244 is replaced by leucine, an amino acid with dissimilar properties. This amino acid position is highly conserved in available vertebrate species. In addition, this alteration is predicted to be deleterious by in silico analysis. Based on the available evidence, the clinical significance of this variant remains unclear.